The following is an entry in ClinVar:

NM_000548.5(TSC2):c.4424del (p.Val1475fs)

Gene: TSC2 (TSC complex subunit 2; plus strand). Cytogenetic location: 16p13.3.
Variant type: Deletion.
Coding change: c.4424del on transcript NM_000548.5 (MANE Select); coding-DNA position 4424, one base deleted (T; older notation c.4424delT).
Protein change: p.Val1475fs; shifts the reading frame from valine 1475.
Molecular consequence: frameshift variant.
Genome position (GRCh38, 1-based): chr16:2,084,646, T deleted. VCF-style (leftmost placement, unchanged base first): chr16-2084645-GT-G. GRCh37 (hg19) VCF-style: chr16-2134646-GT-G.
Other names: c.4223del, p.Val1408fs (NM_001077183.3); c.4355del, p.Val1452fs (NM_001114382.3); c.4115del, p.Val1372fs (NM_001318827.2); c.4079del, p.Val1360fs (NM_001318829.2); c.3692del, p.Val1231fs (NM_001318831.2); c.4256del, p.Val1419fs (NM_001318832.2); c.4226del, p.Val1409fs (NM_001363528.2); c.4292del, p.Val1431fs (NM_001370404.1); and 1 more; short protein forms V1231fs, V1360fs, V1372fs, V1409fs, V1419fs, V1408fs, V1431fs, V1432fs.
Identifiers: ClinVar variation 1354613 (VCV001354613.6), dbSNP rs2151536071, ClinGen allele CA2573151656.

ClinVar aggregate classification (germline): Pathogenic (1 of 4 stars; one submission).

Conditions:
Tuberous sclerosis 2 (TSC2). Identifiers: Orphanet 805, MedGen C1860707, MONDO:0013199, OMIM 613254.

Submission:

Labcorp Genetics (formerly Invitae), Labcorp
Classification: Pathogenic for Tuberous sclerosis 2. Last evaluated: 2021-02-03. Review status: criteria provided, single submitter. Criteria: Invitae Variant Classification Sherloc (09022015). Collection method: clinical testing. Allele origin: germline.
Comment: This sequence change creates a premature translational stop signal (p.Val1475Glufs*6) in the TSC2 gene. It is expected to result in an absent or disrupted protein product. Loss-of-function variants in TSC2 are known to be pathogenic (PMID: 10205261, 17304050). This variant is not present in population databases (ExAC no frequency). This variant has not been reported in the literature in individuals with TSC2-related conditions. For these reasons, this variant has been classified as Pathogenic.

Literature cited by the submitters: PubMed 10205261; PubMed 17304050.